The following is an entry in ClinVar:

ClinVar aggregate classification (germline): Benign/Likely benign. Review status: criteria provided, multiple submitters, no conflicts (2 of 4 stars). 11 submissions from 11 submitters: Benign (2); Likely benign (4). 5 of the submissions do not count toward it. Last evaluated 2025-09-01.

Conditions:
Polycystic kidney disease, adult type (PKD1). Also called: POLYCYSTIC KIDNEY DISEASE, ADULT, TYPE I; Polycystic Kidney, Autosomal Dominant; POLYCYSTIC KIDNEY DISEASE 1 WITH OR WITHOUT POLYCYSTIC LIVER DISEASE; Polycystic Kidney Disease 1, Autosomal Dominant; Polycystic kidney disease 1; Polycystic kidney disease 1, severe. Identifiers: MedGen C3149841, MONDO:0008263, OMIM 173900.
PKD1-related disorder. Also called: PKD1-related condition.
Autosomal dominant polycystic kidney disease. Identifiers: Orphanet 730, MedGen C0085413, MONDO:0004691.

Allele frequency attached by ClinVar (database versions not stated): gnomAD exomes 0.00199 and 0.00225; gnomAD 0.00290; ExAC 0.00370; 1000 Genomes Project 30x 0.00031; 1000 Genomes Project 0.00040; TOPMed 0.00121; ESP Exome Variant Server 0.00140.
gnomAD v4.1: 3,093 of 1,567,718 alleles (0.2%); highest among the groups gnomAD compares: Non-Finnish European, 0.19%; 8 homozygotes.

Submissions (11):

CeGaT Center for Human Genetics Tuebingen
Classification: Likely benign. Last evaluated: 2025-09-01. Review status: criteria provided, single submitter. Criteria: CeGaT Center For Human Genetics Tuebingen Variant Classification Criteria Version 2. Collection method: clinical testing. Allele origin: germline. Affected: yes. Observed: 6 variant alleles.
Comment: PKD1: BP4, BS2

Blueprint Genetics
Classification: Likely benign. Last evaluated: 2024-11-19. Review status: criteria provided, single submitter. Criteria: ACMG Guidelines, 2015. Collection method: clinical testing. Allele origin: germline.

GeneDx
Classification: Benign. Last evaluated: 2020-09-17. Review status: criteria provided, single submitter. Criteria: GeneDx Variant Classification Process June 2021. Collection method: clinical testing. Allele origin: germline. Affected: yes.

ARUP Laboratories, Molecular Genetics and Genomics, ARUP Laboratories
Classification: Likely benign for Polycystic kidney disease, adult type. Last evaluated: 2019-07-30. Review status: criteria provided, single submitter. Criteria: ARUP Molecular Germline Variant Investigation Process. Collection method: clinical testing. Allele origin: germline.

Athena Diagnostics
Classification: Benign. Last evaluated: 2016-09-30. Review status: criteria provided, single submitter. Criteria: Athena Diagnostics Criteria. Collection method: clinical testing. Allele origin: germline.

Breakthrough Genomics
Classification: Likely benign. Review status: criteria provided, single submitter. Criteria: ACMG Guidelines, 2015. Collection method: not provided. Allele origin: germline. Inheritance: Autosomal dominant inheritance. Affected: yes.

PreventionGenetics, part of Exact Sciences
Classification: Likely benign for PKD1-related condition. Last evaluated: 2020-01-08. Review status: no assertion criteria provided. Collection method: clinical testing. Allele origin: germline. Not counted in ClinVar's aggregate classification.
Comment: This variant is classified as likely benign based on ACMG/AMP sequence variant interpretation guidelines (Richards et al. 2015 PMID: 25741868, with internal and published modifications).

Clinical Genetics DNA and cytogenetics Diagnostics Lab, Erasmus MC, Erasmus Medical Center
Classification: Likely benign. Review status: no assertion criteria provided. Collection method: clinical testing. Allele origin: germline. Affected: yes. Study: VKGL Data-share Consensus. Not counted in ClinVar's aggregate classification.

Department of Pathology and Laboratory Medicine, Sinai Health System
Classification: Likely benign for Autosomal dominant polycystic kidney disease. Review status: no assertion criteria provided. Collection method: clinical testing. Allele origin: unknown. Affected: yes. Observed: 4 variant alleles. Study: The Canadian Open Genetics Repository (COGR). Not counted in ClinVar's aggregate classification.
Comment: The PKD1 p.Arg2163Gln variant was not identified in the literature nor was it identified in dbSNP, Clinvitae, ClinVar, GeneInsight COGR, PKD1-LOVD, and PKD1-LOVD 3.0. This variant was identified in the ADPKD Mutation Database (classification likely neutral), in the NHLBI GO Exome Sequencing Project (ESP) in 17 of 8518 (frequency: 0.002) European American and in 1 of 4300 (frequency: 0.0002) African American alleles, and in the Exome Aggregation Consortium database (March 2016) in 89 (1 homozygous) of 24074 chromosomes (freq. 0.004) in the following populations: Finnish in 20 of 226 chromosomes (freq. 0.09), European (Non-Finnish) in 66 of 10328 chromosomes (freq. 0.006), Latino in 2 of 894 chromosomes (freq. 0.002), and African in 1 of 2942 chromosomes (freq. 0.0003), but was not seen in East Asian, South Asian and other populations, increasing the likelihood this could be a low frequency benign variant. The p.Arg2163 residue is conserved in mammals and computational analyses (PolyPhen-2, SIFT, AlignGVGD, BLOSUM, MutationTaster) provide inconsistent predictions regarding the impact to the protein; this information is not very predictive of pathogenicity. The variant occurs outside of the splicing consensus sequence and in silico or computational prediction software programs (SpliceSiteFinder, MaxEntScan, NNSPLICE, GeneSplicer, HumanSpliceFinder) do not predict a greater than 10% difference in splicing. In summary, based on the above information, the clinical significance of this variant cannot be determined with certainty at this time. This variant is classified as likely benign.

Genome Diagnostics Laboratory, University Medical Center Utrecht
Classification: Likely benign. Review status: no assertion criteria provided. Collection method: clinical testing. Allele origin: germline. Affected: yes. Study: VKGL Data-share Consensus. Not counted in ClinVar's aggregate classification.

Laboratory of Diagnostic Genome Analysis, Leiden University Medical Center (LUMC)
Classification: Likely benign. Review status: no assertion criteria provided. Collection method: clinical testing. Allele origin: germline. Affected: yes. Study: VKGL Data-share Consensus. Not counted in ClinVar's aggregate classification.

NM_001009944.3(PKD1):c.6488G>A (p.Arg2163Gln)

Gene: PKD1 (polycystin 1, transient receptor potential channel interacting; minus strand). Cytogenetic location: 16p13.3.
Variant type: single nucleotide variant.
Coding change: c.6488G>A on transcript NM_001009944.3 (MANE Select); coding-DNA position 6488, G replaced by A.
Protein change: p.Arg2163Gln; replaces arginine 2163 with glutamine.
Molecular consequence: missense variant.
Genome position (GRCh38, 1-based): chr16:2,108,679, C>T on the plus strand (G>A on the coding strand, the complement: PKD1 is on the minus strand). VCF-style: chr16-2108679-C-T. GRCh37 (hg19) VCF-style: chr16-2158680-C-T.
Other names: c.6488G>A, p.Arg2163Gln (NM_000296.4); short protein forms R2163Q.
Identifiers: ClinVar variation 433973 (VCV000433973.45), dbSNP rs145217118, ClinGen allele CA7831587.